The following is an entry in ClinVar:

ClinVar aggregate classification (germline): Uncertain significance (1 of 4 stars; one submission).

Submission:

Ambry Genetics
Classification: Uncertain significance. Last evaluated: 2024-01-06. Review status: criteria provided, single submitter. Criteria: Ambry Variant Classification Scheme 2023. Collection method: clinical testing. Allele origin: germline.
Comment: The p.L540S variant (also known as c.1619T>C), located in coding exon 15 of the BUB1 gene, results from a T to C substitution at nucleotide position 1619. The leucine at codon 540 is replaced by serine, an amino acid with dissimilar properties. This amino acid position is conserved. In addition, this alteration is predicted to be tolerated by in silico analysis. Since supporting evidence is limited at this time, the clinical significance of this alteration remains unclear.

NM_004336.5(BUB1):c.1619T>C (p.Leu540Ser)

Gene: BUB1 (BUB1 mitotic checkpoint serine/threonine kinase; minus strand). Cytogenetic location: 2q13.
Variant type: single nucleotide variant.
Coding change: c.1619T>C on transcript NM_004336.5 (MANE Select); coding-DNA position 1619, T replaced by C.
Protein change: p.Leu540Ser; replaces leucine 540 with serine.
Molecular consequence: missense variant.
Genome position (GRCh38, 1-based): chr2:110,657,115, A>G on the plus strand (T>C on the coding strand, the complement: BUB1 is on the minus strand). VCF-style: chr2-110657115-A-G. GRCh37 (hg19) VCF-style: chr2-111414692-A-G.
Other names: c.1559T>C, p.Leu520Ser (NM_001278616.2); c.1619T>C, p.Leu540Ser (NM_001278617.2); short protein forms L540S, L520S.
Identifiers: ClinVar variation 1776560 (VCV001776560.2), dbSNP rs2468006172, ClinGen allele CA348211622.